The following is an entry in ClinVar:

ClinVar aggregate classification (germline): Uncertain significance. Review status: criteria provided, multiple submitters, no conflicts (2 of 4 stars). 2 submissions from 2 submitters: Uncertain significance (2). Last evaluated 2024-10-21.

Conditions:
Congenital glaucoma. Identifiers: MedGen C0020302, MONDO:0020366.

Allele frequency attached by ClinVar (database versions not stated): ExAC 0.00003; gnomAD 0.00003; TOPMed 0.00003; gnomAD exomes 0.00011.

Submissions (2):

Labcorp Genetics (formerly Invitae), Labcorp
Classification: Uncertain significance for Congenital glaucoma. Last evaluated: 2024-10-21. Review status: criteria provided, single submitter. Criteria: Invitae Variant Classification Sherloc (09022015). Collection method: clinical testing. Allele origin: germline.
Comment: This sequence change replaces methionine, which is neutral and non-polar, with isoleucine, which is neutral and non-polar, at codon 244 of the CYP1B1 protein (p.Met244Ile). This variant is present in population databases (rs766983296, gnomAD 0.003%). This missense change has been observed in individual(s) with primary congenital glaucoma (PMID: 36083974). ClinVar contains an entry for this variant (Variation ID: 2581279). Invitae Evidence Modeling of protein sequence and biophysical properties (such as structural, functional, and spatial information, amino acid conservation, physicochemical variation, residue mobility, and thermodynamic stability) has been performed for this missense variant. However, the output from this modeling did not meet the statistical confidence thresholds required to predict the impact of this variant on CYP1B1 protein function. In summary, the available evidence is currently insufficient to determine the role of this variant in disease. Therefore, it has been classified as a Variant of Uncertain Significance.

Women's Health and Genetics/Laboratory Corporation of America, LabCorp
Classification: Uncertain significance. Last evaluated: 2023-08-03. Review status: criteria provided, single submitter. Criteria: LabCorp Variant Classification Summary - May 2015. Collection method: clinical testing. Allele origin: germline.
Comment: Variant summary: CYP1B1 c.732G>T (p.Met244Ile) results in a conservative amino acid change in the encoded protein sequence. Three of five in-silico tools predict a benign effect of the variant on protein function. The variant allele was found at a frequency of 2e-05 in 247416 control chromosomes (gnomAD). The available data on variant occurrences in the general population are insufficient to allow any conclusion about variant significance. To our knowledge, no occurrence of c.732G>T in individuals affected with Primary Congenital Glaucoma and no experimental evidence demonstrating its impact on protein function have been reported. No submitters have cited clinical-significance assessments for this variant to ClinVar after 2014. Based on the evidence outlined above, the variant was classified as uncertain significance.

Literature cited by the submitters: PubMed 36083974 (cited by Labcorp Genetics (formerly Invitae), Labcorp).

NM_000104.4(CYP1B1):c.732G>T (p.Met244Ile)

Gene: CYP1B1 (cytochrome P450 family 1 subfamily B member 1; minus strand). Cytogenetic location: 2p22.2.
Variant type: single nucleotide variant.
Coding change: c.732G>T on transcript NM_000104.4 (MANE Select); coding-DNA position 732, G replaced by T.
Protein change: p.Met244Ile; replaces methionine 244 with isoleucine.
Molecular consequence: missense variant.
Genome position (GRCh38, 1-based): chr2:38,074,657, C>A on the plus strand (G>T on the coding strand, the complement: CYP1B1 is on the minus strand). VCF-style: chr2-38074657-C-A. GRCh37 (hg19) VCF-style: chr2-38301800-C-A.
Other names: short protein forms M244I.
Identifiers: ClinVar variation 2581279 (VCV002581279.2), dbSNP rs766983296, ClinGen allele CA1619974.